The following is an entry in ClinVar:

NM_005379.4(MYO1A):c.2919C>T (p.Ser973=)

Gene: MYO1A (myosin IA; minus strand). Cytogenetic location: 12q13.3.
Variant type: single nucleotide variant.
Coding change: c.2919C>T on transcript NM_005379.4 (MANE Select); coding-DNA position 2919, C replaced by T.
Protein change: p.Ser973=; no amino-acid change (serine 973 retained).
Molecular consequence: synonymous variant.
Genome position (GRCh38, 1-based): chr12:57,029,218, G>A on the plus strand (C>T on the coding strand, the complement: MYO1A is on the minus strand). VCF-style: chr12-57029218-G-A. GRCh37 (hg19) VCF-style: chr12-57423002-G-A.
Other names: c.2919C>T, p.Ser973= (NM_001256041.2).
Identifiers: ClinVar variation 164578 (VCV000164578.10), dbSNP rs79857347, ClinGen allele CA177287.

ClinVar aggregate classification (germline): Benign. Review status: criteria provided, multiple submitters, no conflicts (2 of 4 stars). 4 submissions from 4 submitters: Benign (4). Last evaluated 2019-12-31.

Allele frequency attached by ClinVar (database versions not stated): gnomAD exomes 0.00110 and 0.00280; gnomAD 0.01085 and 0.01159; TOPMed 0.01238; 1000 Genomes Project 30x 0.01405; 1000 Genomes Project 0.01218; ExAC 0.00327; ESP Exome Variant Server 0.01261.
gnomAD v4.1: 3,377 of 1,614,060 alleles (0.21%); highest among the groups gnomAD compares: African/African-American, 3.8%; 59 homozygotes.

Submissions (4):

Labcorp Genetics (formerly Invitae), Labcorp
Classification: Benign. Last evaluated: 2019-12-31. Review status: criteria provided, single submitter. Criteria: Invitae Variant Classification Sherloc (09022015). Collection method: clinical testing. Allele origin: germline.

GeneDx
Classification: Benign. Last evaluated: 2018-04-13. Review status: criteria provided, single submitter. Criteria: GeneDx Variant Classification (06012015). Collection method: clinical testing. Allele origin: germline. Affected: yes.
Comment: This variant is considered likely benign or benign based on one or more of the following criteria: it is a conservative change, it occurs at a poorly conserved position in the protein, it is predicted to be benign by multiple in silico algorithms, and/or has population frequency not consistent with disease.

Laboratory for Molecular Medicine, Mass General Brigham Personalized Medicine
Classification: Benign. Last evaluated: 2012-05-07. Review status: criteria provided, single submitter. Criteria: LMM Criteria. Collection method: clinical testing. Allele origin: germline. Observed: 6 variant alleles.
Comment: "Ser973Ser in Exon 27 of MYO1A: This variant is not expected to have clinical si gnificance because it does not alter an amino acid residue, is not located withi n the splice consensus sequence, and has been identified in 3.9% (147/3738) of A frican American chromosomes from a broad population by the NHLBI Exome Sequencin g Project (dbSNP rs79857347)."

Breakthrough Genomics
Classification: Benign. Review status: criteria provided, single submitter. Criteria: ACMG Guidelines, 2015. Collection method: not provided. Allele origin: germline. Inheritance: Unknown mechanism. Affected: yes.